The following is an entry in ClinVar:

ClinVar aggregate classification (germline): Likely benign (1 of 4 stars; one submission).

gnomAD v4.1: 90 of 1,474,042 alleles (0.0061%); highest among the groups gnomAD compares: Non-Finnish European, 0.0071%; no homozygotes.

Submission:

CeGaT Center for Human Genetics Tuebingen
Classification: Likely benign. Last evaluated: 2025-11-01. Review status: criteria provided, single submitter. Criteria: CeGaT Center For Human Genetics Tuebingen Variant Classification Criteria Version 2. Collection method: clinical testing. Allele origin: germline. Affected: yes. Observed: 1 variant allele.
Comment: SCARF2: BP4, BP7

NM_182895.5(SCARF2):c.1854C>T (p.Pro618=)

Gene: SCARF2 (scavenger receptor class F member 2; minus strand). Cytogenetic location: 22q11.21.
Variant type: single nucleotide variant.
Coding change: c.1854C>T on transcript NM_182895.5 (MANE Select); coding-DNA position 1854, C replaced by T.
Protein change: p.Pro618=; no amino-acid change (proline 618 retained).
Molecular consequence: synonymous variant.
Genome position (GRCh38, 1-based): chr22:20,426,122, G>A on the plus strand (C>T on the coding strand, the complement: SCARF2 is on the minus strand). VCF-style: chr22-20426122-G-A. GRCh37 (hg19) VCF-style: chr22-20780409-G-A.
Other names: c.1869C>T, p.Pro623= (NM_153334.7).
Identifiers: ClinVar variation 4534481 (VCV004534481.6).
Genomic context (GRCh38, chr22:20,426,122, plus strand): 5'-GCCCCGGGCCCGGGCCGGCCGGGCCTCGCGTCGGGCCACGCGCGCGTACAGAGCCCCTCC[G>A]GGCCCCTCCACGCTGGACGCCGACCGCTCGCTGTCGGAGGACGCGGGGAGGGGTATCGCC-3'
Protein context (NP_878315.2, residues 608-628): SERSASSVEG[Pro618=]GGALYARVAR